The following is an entry in ClinVar:

ClinVar aggregate classification (germline): Conflicting classifications of pathogenicity. Review status: criteria provided, conflicting classifications (1 of 4 stars). 4 submissions from 4 submitters: Uncertain significance (3); Likely benign (1). Last evaluated 2025-01-09.

Conditions:
Hereditary cancer-predisposing syndrome. Also called: Tumor predisposition; Hereditary neoplastic syndrome; Neoplastic Syndromes, Hereditary; Hereditary Cancer Syndrome. Identifiers: Orphanet 140162, MedGen C0027672, MeSH D009386, MONDO:0015356.
Hereditary breast ovarian cancer syndrome. Also called: Breast and ovarian cancer; BRCA1- and BRCA2-Associated Hereditary Breast and Ovarian Cancer; Hereditary breast and ovarian cancer; Hereditary breast and ovarian cancer syndrome (HBOC); Hereditary breast and/or ovarian cancer syndrome; Hereditary breast and ovarian cancer syndrome. Identifiers: Orphanet 145, MedGen C0677776, MeSH D061325, MONDO:0003582. Disease mechanism: loss of function.

Submissions (4):

Ambry Genetics
Classification: Uncertain significance for Hereditary cancer-predisposing syndrome. Last evaluated: 2025-01-09. Review status: criteria provided, single submitter. Criteria: Ambry Variant Classification Scheme 2023. Collection method: clinical testing. Allele origin: germline.
Comment: The p.S784W variant (also known as c.2351C>G), located in coding exon 9 of the BRCA1 gene, results from a C to G substitution at nucleotide position 2351. The serine at codon 784 is replaced by tryptophan, an amino acid with highly dissimilar properties. This amino acid position is highly conserved in available vertebrate species. In addition, this alteration is predicted to be deleterious by in silico analysis. Based on the available evidence, the clinical significance of this variant remains unclear.

University of Washington Department of Laboratory Medicine, University of Washington
Classification: Likely benign for Hereditary cancer-predisposing syndrome. Last evaluated: 2023-03-23. Review status: criteria provided, single submitter. Criteria: Dines et al. (Genet Med. 2020). Collection method: curation. Allele origin: germline.
Comment: Missense variant in a coldspot region where missense variants are very unlikely to be pathogenic (PMID:31911673).

BRCA1 coldspot (exon 11 using historical exon numbering). Reclassification based on statistical prior probability

Labcorp Genetics (formerly Invitae), Labcorp
Classification: Uncertain significance for Hereditary breast ovarian cancer syndrome. Last evaluated: 2022-08-22. Review status: criteria provided, single submitter. Criteria: Invitae Variant Classification Sherloc (09022015). Collection method: clinical testing. Allele origin: germline.
Comment: Advanced modeling of protein sequence and biophysical properties (such as structural, functional, and spatial information, amino acid conservation, physicochemical variation, residue mobility, and thermodynamic stability) performed at Invitae indicates that this missense variant is not expected to disrupt BRCA1 protein function. ClinVar contains an entry for this variant (Variation ID: 856874). This variant has not been reported in the literature in individuals affected with BRCA1-related conditions. This variant is not present in population databases (gnomAD no frequency). This sequence change replaces serine, which is neutral and polar, with tryptophan, which is neutral and slightly polar, at codon 784 of the BRCA1 protein (p.Ser784Trp). In summary, the available evidence is currently insufficient to determine the role of this variant in disease. Therefore, it has been classified as a Variant of Uncertain Significance.

GeneDx
Classification: Uncertain significance. Last evaluated: 2020-11-04. Review status: criteria provided, single submitter. Criteria: GeneDx Variant Classification Process June 2021. Collection method: clinical testing. Allele origin: germline. Affected: yes.
Comment: Not observed in large population cohorts (Lek 2016); In silico analysis supports that this missense variant has a deleterious effect on protein structure/function; Has not been previously published as pathogenic or benign to our knowledge; Also known as 2470C>G

NM_007294.4(BRCA1):c.2351C>G (p.Ser784Trp)

Gene: BRCA1 (BRCA1 DNA repair associated; minus strand). Cytogenetic location: 17q21.31.
Variant type: single nucleotide variant.
Coding change: c.2351C>G on transcript NM_007294.4 (MANE Select); coding-DNA position 2351, C replaced by G.
Protein change: p.Ser784Trp; replaces serine 784 with tryptophan.
Molecular consequence: missense variant. On other transcripts: intron variant (137).
Genome position (GRCh38, 1-based): chr17:43,093,180, G>C on the plus strand (C>G on the coding strand, the complement: BRCA1 is on the minus strand). VCF-style: chr17-43093180-G-C. GRCh37 (hg19) VCF-style: chr17-41245197-G-C.
Other names: c.2138C>G, p.Ser713Trp (NM_001407571.1, NM_001407853.1, NM_001407894.1 and 9 more transcripts); c.2351C>G, p.Ser784Trp (NM_001407581.1, NM_001407582.1, NM_001407583.1 and 30 more transcripts); c.2348C>G, p.Ser783Trp (NM_001407587.1, NM_001407590.1, NM_001407591.1 and 22 more transcripts); c.2342C>G, p.Ser781Trp (NM_001407646.1, NM_001407647.1); c.2228C>G, p.Ser743Trp (NM_001407648.1, NM_001407664.1, NM_001407665.1 and 19 more transcripts); c.2225C>G, p.Ser742Trp (NM_001407649.1, NM_001407670.1, NM_001407671.1 and 11 more transcripts); c.2273C>G, p.Ser758Trp (NM_001407653.1, NM_001407654.1, NM_001407655.1 and 4 more transcripts); c.2270C>G, p.Ser757Trp (NM_001407659.1, NM_001407660.1, NM_001407661.1 and 1 more transcripts); and 41 more; short protein forms S784W, S737W, S488W, S657W, S672W, S695W, S736W, S713W.
Identifiers: ClinVar variation 856874 (VCV000856874.21), dbSNP rs55914168, ClinGen allele CA10597304.